The following is an entry in ClinVar:

NM_020066.5(FMN2):c.3480G>C (p.Ala1160=)

Gene: FMN2 (formin 2; plus strand). Cytogenetic location: 1q43.
Variant type: single nucleotide variant.
Coding change: c.3480G>C on transcript NM_020066.5 (MANE Select); coding-DNA position 3480, G replaced by C.
Protein change: p.Ala1160=; no amino-acid change (alanine 1160 retained).
Molecular consequence: synonymous variant. On other transcripts: intron variant (1).
Genome position (GRCh38, 1-based): chr1:240,208,292, G>C. VCF-style: chr1-240208292-G-C. GRCh37 (hg19) VCF-style: chr1-240371592-G-C.
Other names: c.3492G>C, p.Ala1164= (NM_001305424.2); c.1986+20030G>C (NM_001348094.2).
Identifiers: ClinVar variation 3031153 (VCV003031153.2), dbSNP rs753833884, ClinGen allele CA424386201.

ClinVar aggregate classification (germline): Likely benign (0 of 4 stars; one submission).

Conditions:
FMN2-related disorder. Also called: FMN2-related condition.

Allele frequency attached by ClinVar (database versions not stated): gnomAD exomes below 0.00001.
gnomAD v4.1: 1 of 374,766 alleles (0.00027%); highest among the groups gnomAD compares: Non-Finnish European, 0.00046%; no homozygotes.

Submission:

PreventionGenetics, part of Exact Sciences
Classification: Likely benign for FMN2-related condition. Last evaluated: 2021-03-17. Review status: no assertion criteria provided. Collection method: clinical testing. Allele origin: germline.
Comment: This variant is classified as likely benign based on ACMG/AMP sequence variant interpretation guidelines (Richards et al. 2015 PMID: 25741868, with internal and published modifications).